The following is an entry in ClinVar:

NM_001039.4(SCNN1G):c.1892G>T (p.Arg631Leu)

Gene: SCNN1G (sodium channel epithelial 1 subunit gamma; plus strand). Cytogenetic location: 16p12.2.
Variant type: single nucleotide variant.
Coding change: c.1892G>T on transcript NM_001039.4 (MANE Select); coding-DNA position 1892, G replaced by T.
Protein change: p.Arg631Leu; replaces arginine 631 with leucine.
Molecular consequence: missense variant.
Genome position (GRCh38, 1-based): chr16:23,215,411, G>T. VCF-style: chr16-23215411-G-T. GRCh37 (hg19) VCF-style: chr16-23226732-G-T.
Other names: short protein forms R631L.
Identifiers: ClinVar variation 4292418 (VCV004292418.1).
Genomic context (GRCh38, chr16:23,215,411, plus strand): 5'-TGCCTCCAGCCCTAGGAACCCAAGTGCCCGGCACACCGCCCCCCAAATACAATACCTTGC[G>T]CTTGGAGAGGGCCTTTTCCAACCAGCTCACAGATACCCAGATGCTGGATGAGCTCTGAGG-3'
Protein context (NP_001030.2, residues 621-641): GTPPPKYNTL[Arg631Leu]LERAFSNQLT

ClinVar aggregate classification (germline): Uncertain significance (1 of 4 stars; one submission).

Conditions:
Bronchiectasis with or without elevated sweat chloride 3 (BESC3). Identifiers: Orphanet 60033, MedGen C2751324, MONDO:0013112, OMIM 613071.

gnomAD v4.1: 3 of 1,613,844 alleles (0.00019%); highest among the groups gnomAD compares: South Asian, 0.0011%; no homozygotes.

Submission:

3billion
Classification: Uncertain significance for Bronchiectasis with or without elevated sweat chloride 3. Last evaluated: 2025-01-20. Review status: criteria provided, single submitter. Criteria: ACMG Guidelines, 2015. Collection method: clinical testing. Allele origin: germline. Affected: yes.
Comment: The variant is observed at an extremely low frequency in the gnomAD v4.1.0 dataset (total allele frequency: <0.001%). Predicted Consequence/Location: Missense variant. The majority of the known disease-causing variants of this gene are variants expected to result in premature termination of the protein. Damaging effect on gene or gene product predicted by in silico programs is uncertain [REVEL: 0.41 (damaging >=0.6, benign <0.4)]. Different missense changes at the same codon have been reported as of uncertain significance (ClinVar ID: VCV002897266). Therefore, this variant is classified as VUS according to the recommendation of ACMG/AMP guideline.